The following is an entry in ClinVar:

NM_014804.3(KIAA0753):c.2413C>T (p.Arg805Ter)

Gene: KIAA0753 (KIAA0753; minus strand). Cytogenetic location: 17p13.1.
Variant type: single nucleotide variant.
Coding change: c.2413C>T on transcript NM_014804.3 (MANE Select); coding-DNA position 2413, C replaced by T.
Protein change: p.Arg805Ter; replaces arginine 805 with a stop codon.
Molecular consequence: nonsense. On other transcripts: non-coding transcript variant (3).
Genome position (GRCh38, 1-based): chr17:6,594,999, G>A on the plus strand (C>T on the coding strand, the complement: KIAA0753 is on the minus strand). VCF-style: chr17-6594999-G-A. GRCh37 (hg19) VCF-style: chr17-6498319-G-A.
Other names: c.1516C>T, p.Arg506Ter (NM_001351225.2); short protein forms R506*, R805*.
Identifiers: ClinVar variation 1350675 (VCV001350675.7), dbSNP rs1349477941, ClinGen allele CA397405015.

ClinVar aggregate classification (germline): Pathogenic/Likely pathogenic. Review status: criteria provided, multiple submitters, no conflicts (2 of 4 stars). 2 submissions from 2 submitters: Pathogenic (1); Likely pathogenic (1). Last evaluated 2023-10-19.

Conditions:
KIAA0753-related disorder.

Allele frequency attached by ClinVar (database versions not stated): gnomAD 0.00001.
gnomAD v4.1: 11 of 1,612,252 alleles (0.00068%); highest among the groups gnomAD compares: Non-Finnish European, 0.00093%; no homozygotes.

Submissions (2):

Blueprint Genetics
Classification: Likely pathogenic for KIAA0753-related disorders. Last evaluated: 2023-10-19. Review status: criteria provided, single submitter. Criteria: ACMG Guidelines, 2015. Collection method: clinical testing. Allele origin: germline. Affected: yes. Observed: 3 variant alleles.

Labcorp Genetics (formerly Invitae), Labcorp
Classification: Pathogenic. Last evaluated: 2023-01-13. Review status: criteria provided, single submitter. Criteria: Invitae Variant Classification Sherloc (09022015). Collection method: clinical testing. Allele origin: germline.
Comment: For these reasons, this variant has been classified as Pathogenic. ClinVar contains an entry for this variant (Variation ID: 1350675). This variant has not been reported in the literature in individuals affected with KIAA0753-related conditions. This variant is present in population databases (no rsID available, gnomAD 0.0009%). This sequence change creates a premature translational stop signal (p.Arg805*) in the KIAA0753 gene. It is expected to result in an absent or disrupted protein product. Loss-of-function variants in KIAA0753 are known to be pathogenic (PMID: 29138412).

Literature cited by the submitters: PubMed 29138412 (cited by Labcorp Genetics (formerly Invitae), Labcorp).